The following is an entry in ClinVar:

ClinVar aggregate classification (germline): Uncertain significance. Review status: criteria provided, multiple submitters, no conflicts (2 of 4 stars). 2 submissions from 2 submitters: Uncertain significance (2). Last evaluated 2025-11-13.

Conditions:
Inborn genetic diseases. Identifiers: MedGen C0950123, MeSH D030342.

Allele frequency attached by ClinVar (database versions not stated): TOPMed below 0.00001; gnomAD 0.00001.
gnomAD v4.1: 1 of 1,613,890 alleles (0.000062%); highest among the groups gnomAD compares: African/African-American, 0.0013%; no homozygotes.

Submissions (2):

Ambry Genetics
Classification: Uncertain significance for Inborn genetic diseases. Last evaluated: 2025-11-13. Review status: criteria provided, single submitter. Criteria: Ambry Variant Classification Scheme 2023. Collection method: clinical testing. Allele origin: germline.

Labcorp Genetics (formerly Invitae), Labcorp
Classification: Uncertain significance. Last evaluated: 2023-03-14. Review status: criteria provided, single submitter. Criteria: Invitae Variant Classification Sherloc (09022015). Collection method: clinical testing. Allele origin: germline.
Comment: In summary, the available evidence is currently insufficient to determine the role of this variant in disease. Therefore, it has been classified as a Variant of Uncertain Significance. Advanced modeling of protein sequence and biophysical properties (such as structural, functional, and spatial information, amino acid conservation, physicochemical variation, residue mobility, and thermodynamic stability) performed at Invitae indicates that this missense variant is expected to disrupt FAM111A protein function. This variant has not been reported in the literature in individuals affected with FAM111A-related conditions. This variant is not present in population databases (gnomAD no frequency). This sequence change replaces valine, which is neutral and non-polar, with aspartic acid, which is acidic and polar, at codon 266 of the FAM111A protein (p.Val266Asp).

NM_001312909.2(FAM111A):c.797T>A (p.Val266Asp)

Gene: FAM111A (FAM111 trypsin like peptidase A; plus strand). Cytogenetic location: 11q12.1.
Variant type: single nucleotide variant.
Coding change: c.797T>A on transcript NM_001312909.2 (MANE Select); coding-DNA position 797, T replaced by A.
Protein change: p.Val266Asp; replaces valine 266 with aspartic acid.
Molecular consequence: missense variant.
Genome position (GRCh38, 1-based): chr11:59,152,465, T>A. VCF-style: chr11-59152465-T-A. GRCh37 (hg19) VCF-style: chr11-58919938-T-A.
Other names: c.797T>A, p.Val266Asp (NM_001142519.3, NM_001142520.3, NM_001142521.3 and 29 more transcripts); c.797T>A (NM_001142520.1); short protein forms V266D.
Identifiers: ClinVar variation 2842269 (VCV002842269.4), dbSNP rs1464324274, ClinGen allele CA380777481.